The following is an entry in ClinVar:

NM_016219.5(MAN1B1):c.1790G>A (p.Arg597Gln)

Gene: MAN1B1 (mannosidase alpha class 1B member 1; plus strand). Cytogenetic location: 9q34.3.
Variant type: single nucleotide variant.
Coding change: c.1790G>A on transcript NM_016219.5 (MANE Select); coding-DNA position 1790, G replaced by A.
Protein change: p.Arg597Gln; replaces arginine 597 with glutamine.
Molecular consequence: missense variant. On other transcripts: non-coding transcript variant (2).
Genome position (GRCh38, 1-based): chr9:137,107,556, G>A. VCF-style: chr9-137107556-G-A. GRCh37 (hg19) VCF-style: chr9-140002008-G-A.
Other names: c.1682G>A, p.Arg561Gln (NM_007230.1); short protein forms R561Q, R597Q.
Identifiers: ClinVar variation 2178511 (VCV002178511.2), dbSNP rs748628617, ClinGen allele CA5359395.
Genomic context (GRCh38, chr9:137,107,556, plus strand): 5'-GGCTGGCCTTGCCCTGAGCTCTGCTCCGCCCACAGCCAGCAGACAGGCACAACCTGCTGC[G>A]GCCAGAGACCGTGGAGAGCCTGTTCTACCTGTACCGCGTCACAGGGGACCGCAAATACCA-3'
Protein context (NP_057303.2, residues 587-607): VKPADRHNLL[Arg597Gln]PETVESLFYL

ClinVar aggregate classification (germline): Uncertain significance. Review status: criteria provided, multiple submitters, no conflicts (2 of 4 stars). 2 submissions from 2 submitters: Uncertain significance (2). Last evaluated 2023-09-18.

Conditions:
Rafiq syndrome (RAFQS). Identifiers: Orphanet 88616, MedGen C3280127, MONDO:0013624, OMIM 614202.

Allele frequency attached by ClinVar (database versions not stated): ExAC 0.00001; gnomAD 0.00001; TOPMed 0.00001.
gnomAD v4.1: 9 of 1,612,734 alleles (0.00056%); highest among the groups gnomAD compares: East Asian, 0.0022%; no homozygotes.

Submissions (2):

Blueprint Genetics
Classification: Uncertain significance. Last evaluated: 2023-09-18. Review status: criteria provided, single submitter. Criteria: ACMG Guidelines, 2015. Collection method: clinical testing. Allele origin: germline.

Labcorp Genetics (formerly Invitae), Labcorp
Classification: Uncertain significance for Rafiq syndrome. Last evaluated: 2022-10-17. Review status: criteria provided, single submitter. Criteria: Invitae Variant Classification Sherloc (09022015). Collection method: clinical testing. Allele origin: germline.
Comment: This sequence change replaces arginine, which is basic and polar, with glutamine, which is neutral and polar, at codon 597 of the MAN1B1 protein (p.Arg597Gln). This variant is present in population databases (rs748628617, gnomAD 0.003%). This variant has not been reported in the literature in individuals affected with MAN1B1-related conditions. Algorithms developed to predict the effect of missense changes on protein structure and function (SIFT, PolyPhen-2, Align-GVGD) all suggest that this variant is likely to be disruptive. In summary, the available evidence is currently insufficient to determine the role of this variant in disease. Therefore, it has been classified as a Variant of Uncertain Significance.